The following is an entry in ClinVar:

ClinVar aggregate classification (germline): Pathogenic/Likely pathogenic. Review status: criteria provided, multiple submitters, no conflicts (2 of 4 stars). 7 submissions from 7 submitters: Pathogenic (4); Likely pathogenic (1). 2 of the submissions do not count toward it. Last evaluated 2024-04-07.

Conditions:
FANCC-related disorder. Also called: FANCC-related condition.
Hereditary cancer-predisposing syndrome. Also called: Tumor predisposition; Hereditary Cancer Syndrome; Hereditary neoplastic syndrome; Neoplastic Syndromes, Hereditary. Identifiers: Orphanet 140162, MedGen C0027672, MeSH D009386, MONDO:0015356.
Fanconi anemia (FA). Also called: Fanconi's anemia. Identifiers: Orphanet 84, MedGen C0015625, MeSH D005199, MONDO:0019391.
Fanconi anemia complementation group C (FANCC). Also called: FANCONI PANCYTOPENIA, TYPE 3; FACC; FANCC-Related Fanconi Anemia; Fanconi anemia, group C. Identifiers: Orphanet 84, MedGen C3468041, MONDO:0009213, OMIM 227645.

Submissions (7):

Fulgent Genetics
Classification: Likely pathogenic for Fanconi anemia complementation group C. Last evaluated: 2024-04-07. Review status: criteria provided, single submitter. Criteria: ACMG Guidelines, 2015. Collection method: clinical testing. Allele origin: germline.

Labcorp Genetics (formerly Invitae), Labcorp
Classification: Pathogenic for Fanconi anemia. Last evaluated: 2024-02-23. Review status: criteria provided, single submitter. Criteria: Invitae Variant Classification Sherloc (09022015). Collection method: clinical testing. Allele origin: germline.
Comment: This sequence change creates a premature translational stop signal (p.Ala464Profs*53) in the FANCC gene. While this is not anticipated to result in nonsense mediated decay, it is expected to disrupt the last 95 amino acid(s) of the FANCC protein. This variant is present in population databases (rs730881710, gnomAD 0.0009%). This premature translational stop signal has been observed in individual(s) with breast cancer (PMID: 26681312). ClinVar contains an entry for this variant (Variation ID: 182468). Experimental studies and prediction algorithms are not available or were not evaluated, and the functional significance of this variant is currently unknown. This variant disrupts a region of the FANCC protein in which other variant(s) (p.Arg548*) have been determined to be pathogenic (PMID: 8103176, 8844212, 24584348). This suggests that this is a clinically significant region of the protein, and that variants that disrupt it are likely to be disease-causing. For these reasons, this variant has been classified as Pathogenic.

Ambry Genetics
Classification: Pathogenic for Hereditary cancer-predisposing syndrome. Last evaluated: 2024-01-04. Review status: criteria provided, single submitter. Criteria: Ambry Variant Classification Scheme 2023. Collection method: clinical testing. Allele origin: germline.
Comment: The c.1387_1388delTC pathogenic mutation, located in coding exon 13 of the FANCC gene, results from a deletion of two nucleotides at nucleotide positions 1387 to 1388, causing a translational frameshift with a predicted alternate stop codon (p.A464Pfs*53). This alteration is expected to result in loss of function by premature protein truncation or nonsense-mediated mRNA decay. As such, this alteration is interpreted as a disease-causing mutation.

Baylor Genetics
Classification: Pathogenic for Fanconi anemia complementation group C. Last evaluated: 2023-11-29. Review status: criteria provided, single submitter. Criteria: ACMG Guidelines, 2015. Collection method: clinical testing. Allele origin: unknown.

GeneDx
Classification: Pathogenic. Last evaluated: 2014-09-08. Review status: criteria provided, single submitter. Criteria: GeneDx Variant Classification (06012015). Collection method: clinical testing. Allele origin: germline. Affected: yes.
Comment: This deletion of 2 nucleotides in FANCC is denoted c.1387_1388delTC at the cDNA level and p.Ala464ProfsX53 (A464PfsX53) at the protein level. The normal sequence, with the bases that are deleted in brackets, is CCTC[TC]AGCC. The deletion causes a frameshift, which changes an Alanine to a Proline at codon 464, and creates a premature stop codon at position 53 of the new reading frame. Although this variant has not, to our knowledge, been reported in the literature, it is predicted to cause loss of normal protein function through either protein truncation or nonsense-mediated mRNA decay. we consider this variant to be pathogenic.FANCC has been only recently described in association with cancer predisposition and the risks are not well understood. Based on available data, the presence of a FANCC mutation may confer an increased risk for female breast cancer (Thompson 2012, Berwick 2007). Berwick et al. (2007) identified 33 female FANCC mutation carriers; all grandmothers of known Fanconi Anemia patients. In this group of women the observed cases of breast cancer (n=6) was significantly higher than the expected cases of breast cancer (SIR = 2.4). Thompson et al. (2012) studied 438 BRCA-negative breast cancer families and identified 3 families with deleterious FANCC mutations. In two of these families, the identified truncating FANCC mutations were found in multiple affected family members. The authors conclude that the co-segregation of FANCC mutations in these families appears to be consistent with moderately penetrant breast cancer alleles. Fanconi Anemia (FA) is a rare autosomal recessive condition that can be caused by two mutations (one affecting each allele) in the FANCC gene. This condition is characterized by an increased risk for childhood malignancy including leukemia and solid tumors, as well as distinctive physical abnormalities and bone marrow failure. If a FANCC mutation carrier'spartner is also a carrier for a FANCC mutation, the risk to have a child with FA is 25% with each pregnancy.

PreventionGenetics, part of Exact Sciences
Classification: Pathogenic for FANCC-related condition. Last evaluated: 2024-09-12. Review status: no assertion criteria provided. Collection method: clinical testing. Allele origin: germline. Not counted in ClinVar's aggregate classification.
Comment: The FANCC c.1387_1388delTC variant is predicted to result in a frameshift and premature protein termination (p.Ala464Profs*53). This variant has been reported in an individual with breast cancer (Table S1, Susswein et al. 2016. PubMed ID: 26681312). This variant is reported in 0.00088% of alleles in individuals of European (Non-Finnish) descent in gnomAD and has been reported in control populations (eTable 3, Hu et al. 2018. PubMed ID: 29922827). It is reported as pathogenic/likely pathogenic in ClinVar. Frameshift variants in FANCC are expected to be pathogenic. This variant is interpreted as pathogenic.

Counsyl
Classification: Likely pathogenic for Fanconi anemia complementation group C. Last evaluated: 2018-01-19. Review status: no assertion criteria provided. Collection method: clinical testing. Allele origin: unknown. Not counted in ClinVar's aggregate classification.

Literature cited by the submitters: PubMed 26681312 (cited by Labcorp Genetics (formerly Invitae), Labcorp and Counsyl); PubMed 8103176 (cited by Labcorp Genetics (formerly Invitae), Labcorp); PubMed 8844212 (cited by Labcorp Genetics (formerly Invitae), Labcorp); PubMed 24584348 (cited by Labcorp Genetics (formerly Invitae), Labcorp).

NM_000136.3(FANCC):c.1387_1388del (p.Ala464fs)

Genes: FANCC (FA complementation group C; minus strand), AOPEP (aminopeptidase O (putative); plus strand). Cytogenetic location: 9q22.32.
Variant type: Microsatellite.
Coding change: c.1387_1388del on transcript NM_000136.3 (MANE Select); coding-DNA positions 1387 to 1388, 2 bases deleted (TC; older notation c.1387_1388delTC).
Protein change: p.Ala464fs; shifts the reading frame from alanine 464.
Molecular consequence: frameshift variant.
Genome position (GRCh38, 1-based): chr9:95,107,211-95,107,212, GA deleted on the plus strand (TC on the coding strand, the reverse complement: FANCC is on the minus strand); deleting any 2 consecutive bases within chr9:95,107,211-95,107,215 gives the same sequence; the c. name uses the placement nearest the transcript's 3' end. VCF-style (leftmost placement, unchanged base first): chr9-95107210-TGA-T. GRCh37 (hg19) VCF-style: chr9-97869492-TGA-T.
Other names: c.1387_1388del, p.Ala464fs (NM_001243743.2); c.1387_1388del (NM_000136.2); short protein forms A464fs.
Identifiers: ClinVar variation 182468 (VCV000182468.21), dbSNP rs730881710, ClinGen allele CA299135.